The following is an entry in ClinVar:

NM_152743.4(BRAT1):c.118A>G (p.Thr40Ala)

Gene: BRAT1 (BRCA1 associated ATM activator 1; minus strand). Cytogenetic location: 7p22.3.
Variant type: single nucleotide variant.
Coding change: c.118A>G on transcript NM_152743.4 (MANE Select); coding-DNA position 118, A replaced by G.
Protein change: p.Thr40Ala; replaces threonine 40 with alanine.
Molecular consequence: missense variant. On other transcripts: 5 prime UTR variant (1), non-coding transcript variant (1).
Genome position (GRCh38, 1-based): chr7:2,554,314, T>C on the plus strand (A>G on the coding strand, the complement: BRAT1 is on the minus strand). VCF-style: chr7-2554314-T-C. GRCh37 (hg19) VCF-style: chr7-2593948-T-C.
Other names: c.118A>G, p.Thr40Ala (NM_001350626.2); c.-260A>G (NM_001350627.2); short protein forms T40A.
Identifiers: ClinVar variation 1470844 (VCV001470844.6), dbSNP rs2128415646, ClinGen allele CA366633411.

ClinVar aggregate classification (germline): Uncertain significance (1 of 4 stars; one submission).

Conditions:
Neonatal-onset encephalopathy with rigidity and seizures. Also called: Lethal neonatal spasticity-epileptic encephalopathy syndrome. Identifiers: Orphanet 435845, MedGen C3281029, MONDO:0013784, OMIM 614498.

Submission:

Labcorp Genetics (formerly Invitae), Labcorp
Classification: Uncertain significance for Neonatal-onset encephalopathy with rigidity and seizures. Last evaluated: 2022-08-31. Review status: criteria provided, single submitter. Criteria: Invitae Variant Classification Sherloc (09022015). Collection method: clinical testing. Allele origin: germline.
Comment: In summary, the available evidence is currently insufficient to determine the role of this variant in disease. Therefore, it has been classified as a Variant of Uncertain Significance. Algorithms developed to predict the effect of missense changes on protein structure and function output the following: SIFT: "Tolerated"; PolyPhen-2: "Benign"; Align-GVGD: "Class C0". The alanine amino acid residue is found in multiple mammalian species, which suggests that this missense change does not adversely affect protein function. ClinVar contains an entry for this variant (Variation ID: 1470844). This variant has not been reported in the literature in individuals affected with BRAT1-related conditions. This variant is not present in population databases (gnomAD no frequency). This sequence change replaces threonine, which is neutral and polar, with alanine, which is neutral and non-polar, at codon 40 of the BRAT1 protein (p.Thr40Ala).